The following is an entry in ClinVar:

ClinVar aggregate classification (germline): Uncertain significance. Review status: criteria provided, multiple submitters, no conflicts (2 of 4 stars). 3 submissions from 3 submitters: Uncertain significance (3). Last evaluated 2025-12-12.

Conditions:
TTN-related disorder. Also called: TTN-related disorders; TTN-related condition; TTN-related disease.

Allele frequency attached by ClinVar (database versions not stated): ExAC 0.00001; gnomAD 0.00003; TOPMed 0.00003; ESP Exome Variant Server 0.00008.
gnomAD v4.1: 13 of 1,546,510 alleles (0.00084%); highest among the groups gnomAD compares: Non-Finnish European, 0.0011%; no homozygotes.

Submissions (3):

Mayo Clinic Laboratories, Mayo Clinic
Classification: Uncertain significance. Last evaluated: 2025-12-12. Review status: criteria provided, single submitter. Criteria: ACMG Guidelines, 2015. Collection method: clinical testing. Allele origin: germline. Observed: 1 variant allele.
Comment: BP4_moderate

PreventionGenetics, part of Exact Sciences
Classification: Uncertain significance for TTN-related condition. Last evaluated: 2025-11-16. Review status: criteria provided, single submitter. Criteria: ACMG Guidelines, 2015. Collection method: clinical testing. Allele origin: germline.
Comment: The TTN c.56366T>C variant is predicted to result in the amino acid substitution p.Val18789Ala. To our knowledge, this variant has not been reported in the literature. This variant is reported in 0.0018% of alleles in individuals of European (Non-Finnish) descent in gnomAD. At this time, the clinical significance of this variant is uncertain due to the absence of conclusive functional and genetic evidence.

GeneDx
Classification: Uncertain significance. Last evaluated: 2024-08-09. Review status: criteria provided, single submitter. Criteria: GeneDx Variant Classification Process June 2021. Collection method: clinical testing. Allele origin: germline.
Comment: Not observed at significant frequency in large population cohorts (gnomAD); Missense variant in a gene in which most reported pathogenic variants are truncating/loss of function; Has not been previously published as pathogenic or benign to our knowledge

NM_001267550.2(TTN):c.56366T>C (p.Val18789Ala)

Genes: TTN (titin; minus strand), TTN-AS1 (TTN antisense RNA 1; plus strand). Cytogenetic location: 2q31.2.
Variant type: single nucleotide variant.
Coding change: c.56366T>C on transcript NM_001267550.2 (MANE Select); coding-DNA position 56366, T replaced by C.
Protein change: p.Val18789Ala; replaces valine 18789 with alanine.
Molecular consequence: missense variant.
Genome position (GRCh38, 1-based): chr2:178,599,427, A>G on the plus strand (T>C on the coding strand, the complement: TTN is on the minus strand). VCF-style: chr2-178599427-A-G. GRCh37 (hg19) VCF-style: chr2-179464154-A-G.
Other names: p.Val16221Ala; c.51443T>C, p.Val17148Ala (NM_001256850.1); c.29171T>C, p.Val9724Ala (NM_003319.4); c.48662T>C, p.Val16221Ala (NM_133378.4); c.29546T>C, p.Val9849Ala (NM_133432.3); c.29747T>C, p.Val9916Ala (NM_133437.4); short protein forms V16221A, V17148A, V18789A, V9724A, V9849A, V9916A.
Identifiers: ClinVar variation 2503274 (VCV002503274.4), dbSNP rs377635048, ClinGen allele CA1993263.